The following is an entry in ClinVar:

NM_014423.4(AFF4):c.3466C>T (p.Arg1156Cys)

Gene: AFF4 (ALF transcription elongation factor 4; minus strand). Cytogenetic location: 5q31.1.
Variant type: single nucleotide variant.
Coding change: c.3466C>T on transcript NM_014423.4 (MANE Select); coding-DNA position 3466, C replaced by T.
Protein change: p.Arg1156Cys; replaces arginine 1156 with cysteine.
Molecular consequence: missense variant.
Genome position (GRCh38, 1-based): chr5:132,881,085, G>A on the plus strand (C>T on the coding strand, the complement: AFF4 is on the minus strand). VCF-style: chr5-132881085-G-A. GRCh37 (hg19) VCF-style: chr5-132216777-G-A.
Other names: short protein forms R1156C.
Identifiers: ClinVar variation 1307074 (VCV001307074.3), dbSNP rs112871745, ClinGen allele CA127299579.
Genomic context (GRCh38, chr5:132,881,085, plus strand): 5'-GGAGAAAATCAGAGGCAACGAGAATGTGTTCAGTTCAAGATATCAACTTGGCATCCTGGC[G>A]AAGCCAGTGCAGTCCCTGCCGGGTATAACGAACTAGATCTGTCATGATGCTTGCATTAAA-3'
Protein context (NP_055238.1, residues 1146-1163): RYTRQGLHWL[Arg1156Cys]QDAKLIS

ClinVar aggregate classification (germline): Uncertain significance. Review status: criteria provided, multiple submitters, no conflicts (2 of 4 stars). 2 submissions from 2 submitters: Uncertain significance (2). Last evaluated 2025-12-28.

Conditions:
AFF4-related disorder. Also called: AFF4-related condition.

Allele frequency attached by ClinVar (database versions not stated): gnomAD 0.00001; gnomAD exomes 0.00001; TOPMed 0.00001.
gnomAD v4.1: 11 of 1,613,620 alleles (0.00068%); highest among the groups gnomAD compares: East Asian, 0.0067%; no homozygotes.

Submissions (2):

PreventionGenetics, part of Exact Sciences
Classification: Uncertain significance for AFF4-related condition. Last evaluated: 2025-12-28. Review status: criteria provided, single submitter. Criteria: ACMG Guidelines, 2015. Collection method: clinical testing. Allele origin: germline.
Comment: The AFF4 c.3466C>T variant is predicted to result in the amino acid substitution p.Arg1156Cys. To our knowledge, this variant has not been reported in the literature or in a large population database (gnomAD), indicating this variant is rare. At this time, the clinical significance of this variant is uncertain due to the absence of conclusive functional and genetic evidence.

GeneDx
Classification: Uncertain significance. Last evaluated: 2019-07-11. Review status: criteria provided, single submitter. Criteria: GeneDx Variant Classification Process June 2021. Collection method: clinical testing. Allele origin: germline. Affected: yes.
Comment: Not observed in large population cohorts (Lek et al., 2016); In silico analysis, which includes protein predictors and evolutionary conservation, supports a deleterious effect; Has not been previously published as pathogenic or benign to our knowledge